The following is an entry in ClinVar:

ClinVar aggregate classification (germline): Uncertain significance. Review status: criteria provided, multiple submitters, no conflicts (2 of 4 stars). 2 submissions from 2 submitters: Uncertain significance (2). Last evaluated 2025-03-27.

Conditions:
Kabuki syndrome 2 (KABUK2). Also called: KDM6A-Related Kabuki Syndrome. Identifiers: Orphanet 2322, MedGen C3275495, MONDO:0010465, OMIM 300867.

Submissions (2):

Labcorp Genetics (formerly Invitae), Labcorp
Classification: Uncertain significance for Kabuki syndrome 2. Last evaluated: 2025-03-27. Review status: criteria provided, single submitter. Criteria: Invitae Variant Classification Sherloc (09022015). Collection method: clinical testing. Allele origin: germline.
Comment: This sequence change replaces glycine, which is neutral and non-polar, with glutamic acid, which is acidic and polar, at codon 51 of the KDM6A protein (p.Gly51Glu). This variant is not present in population databases (gnomAD no frequency). This variant has not been reported in the literature in individuals affected with KDM6A-related conditions. Invitae Evidence Modeling of protein sequence and biophysical properties (such as structural, functional, and spatial information, amino acid conservation, physicochemical variation, residue mobility, and thermodynamic stability) indicates that this missense variant is not expected to disrupt KDM6A protein function with a negative predictive value of 80%. In summary, the available evidence is currently insufficient to determine the role of this variant in disease. Therefore, it has been classified as a Variant of Uncertain Significance.

GeneDx
Classification: Uncertain significance. Last evaluated: 2025-03-13. Review status: criteria provided, single submitter. Criteria: GeneDx Variant Classification Process June 2021. Collection method: clinical testing. Allele origin: germline. Affected: yes.
Comment: Not observed at significant frequency in large population cohorts (gnomAD); In silico analysis supports that this missense variant has a deleterious effect on protein structure/function; Has not been previously published as pathogenic or benign to our knowledge

NM_001291415.2(KDM6A):c.152G>A (p.Gly51Glu)

Genes: KDM6A (lysine demethylase 6A; plus strand), LOC130068183 (ATAC-STARR-seq lymphoblastoid silent region 20785; plus strand). Cytogenetic location: Xp11.3.
Variant type: single nucleotide variant.
Coding change: c.152G>A on transcript NM_001291415.2 (MANE Select); coding-DNA position 152, G replaced by A.
Protein change: p.Gly51Glu; replaces glycine 51 with glutamic acid.
Molecular consequence: missense variant. On other transcripts: 5 prime UTR variant (1), non-coding transcript variant (1).
Genome position (GRCh38, 1-based): chrX:44,873,703, G>A. VCF-style: chrX-44873703-G-A. GRCh37 (hg19) VCF-style: chrX-44732949-G-A.
Other names: c.152G>A, p.Gly51Glu (NM_001419810.1, NM_001419811.1, NM_001419814.1 and 9 more transcripts); c.-481G>A (NM_001291421.2); short protein forms G51E.
Identifiers: ClinVar variation 4083320 (VCV004083320.2).